The following is an entry in ClinVar:

NM_058004.4(PI4KA):c.5528_5530del (p.Ser1843del)

Gene: PI4KA (phosphatidylinositol 4-kinase alpha; minus strand). Cytogenetic location: 22q11.21.
Variant type: Deletion.
Coding change: c.5528_5530del on transcript NM_058004.4 (MANE Select); coding-DNA positions 5528 to 5530, 3 bases deleted (CCT; older notation c.5528_5530delCCT).
Protein change: p.Ser1843del; deletes serine 1843.
Molecular consequence: inframe deletion.
Genome position (GRCh38, 1-based): chr22:20,713,322-20,713,324, AGG deleted on the plus strand (CCT on the coding strand, the reverse complement: PI4KA is on the minus strand); deleting any 3 consecutive bases within chr22:20,713,322-20,713,326 gives the same sequence; the c. name uses the placement nearest the transcript's 3' end. VCF-style (leftmost placement, unchanged base first): chr22-20713321-CAGG-C. GRCh37 (hg19) VCF-style: chr22-21067609-CAGG-C.
Other names: c.5435_5437del, p.Ser1812del (NM_001362862.2); c.5462_5464del, p.Ser1821del (NM_001362863.2); short protein forms S1843del, S1812del, S1821del.
Identifiers: ClinVar variation 5006445 (VCV005006445.2).
Genomic context (GRCh38, chr22:20,713,321, plus strand): 5'-CGAGGCCTGACCCTGCTTACCTGCCGGCAGTCGTCTCCCACCTTGAAGATGGCTGCCTGC[CAGG>C]AGATCTTCTGGCCGTCGGCCTCCTGCGTGCTGCACTCATCCTCGGAGTCTGAGCGGCACC-3'

ClinVar aggregate classification (germline): Uncertain significance (1 of 4 stars; one submission).

Conditions:
Gastrointestinal defects and immunodeficiency syndrome 2 (GIDID2). Also called: MULTIPLE INTESTINAL ATRESIA WITH OR WITHOUT LEUKOPENIA. Identifiers: MedGen C5676901, MONDO:0030669, OMIM 619708.
Spastic paraplegia 84, autosomal recessive (SPG84). Identifiers: Orphanet 631079, MedGen C5562025, MONDO:0030482, OMIM 619621.
Polymicrogyria, perisylvian, with cerebellar hypoplasia and arthrogryposis (NEDSPLB). Identifiers: MedGen C4225295, MONDO:0014679, OMIM 616531.

Submission:

Juno Genomics, Hangzhou Juno Genomics, Inc
Classification: Uncertain significance for Gastrointestinal defects and immunodeficiency syndrome 2; Polymicrogyria, perisylvian, with cerebellar hypoplasia and arthrogryposis; Spastic paraplegia 84, autosomal recessive. Review status: criteria provided, single submitter. Criteria: ACMG Guidelines, 2015. Collection method: clinical testing. Allele origin: germline.
Comment: Absent from controls (or at extremely low frequency if recessive) in Genome Aggregation Database.;Protein length changes due to in-frame deletions/insertions in a non-repeat region or stop-loss variants.